The following is an entry in ClinVar:

ClinVar aggregate classification (germline): Uncertain significance (1 of 4 stars; one submission).

gnomAD v4.1: 10 of 1,575,882 alleles (0.00063%); highest among the groups gnomAD compares: Middle Eastern, 0.069%; 1 homozygote.

Submission:

Labcorp Genetics (formerly Invitae), Labcorp
Classification: Uncertain significance. Last evaluated: 2022-07-23. Review status: criteria provided, single submitter. Criteria: Invitae Variant Classification Sherloc (09022015). Collection method: clinical testing. Allele origin: germline.
Comment: This variant is not present in population databases (gnomAD no frequency). This variant has not been reported in the literature in individuals affected with NRXN2-related conditions. Algorithms developed to predict the effect of missense changes on protein structure and function (SIFT, PolyPhen-2, Align-GVGD) all suggest that this variant is likely to be tolerated. In summary, the available evidence is currently insufficient to determine the role of this variant in disease. Therefore, it has been classified as a Variant of Uncertain Significance. This sequence change replaces aspartic acid, which is acidic and polar, with glutamic acid, which is acidic and polar, at codon 1412 of the NRXN2 protein (p.Asp1412Glu).

NM_015080.4(NRXN2):c.4446C>G (p.Asp1482Glu)

Gene: NRXN2 (neurexin 2; minus strand). Cytogenetic location: 11q13.1.
Variant type: single nucleotide variant.
Coding change: c.4446C>G on transcript NM_015080.4 (MANE Select); coding-DNA position 4446, C replaced by G.
Protein change: p.Asp1482Glu; replaces aspartic acid 1482 with glutamic acid.
Molecular consequence: missense variant. On other transcripts: intron variant (7).
Genome position (GRCh38, 1-based): chr11:64,607,889, G>C on the plus strand (C>G on the coding strand, the complement: NRXN2 is on the minus strand). VCF-style: chr11-64607889-G-C. GRCh37 (hg19) VCF-style: chr11-64375361-G-C.
Other names: c.4236C>G, p.Asp1412Glu (NM_138732.3); c.1308C>G, p.Asp436Glu (NM_138734.3); c.4229-389C>G (NM_001376266.1); c.4208-389C>G (NM_001376265.1); c.4142-389C>G (NM_001376267.1); c.4232-389C>G (NM_001376263.1); c.4253-389C>G (NM_001376262.1); c.788-389C>G (NM_001400682.1); and 1 more; short protein forms D436E, D1412E, D1482E.
Identifiers: ClinVar variation 2096493 (VCV002096493.4), dbSNP rs750222438, ClinGen allele CA381148435.
Genomic context (GRCh38, chr11:64,607,889, plus strand): 5'-GTCAAAGACCTCCCCGGAGGCGAAGCCCGAGGCCTCGATGGGCTCCTCGCAGTCGCTGTC[G>C]TCCCGCTCGGCCTGGCACGGGCCCCCAGAGGGCGGGCGGCGCGCGGCGGGCGGGGGCAGC-3'
Protein context (NP_055895.1, residues 1472-1492): PSGGPCQAER[Asp1482Glu]DSDCEEPIEA